The following is an entry in ClinVar:

ClinVar aggregate classification (germline): Uncertain significance. Review status: criteria provided, multiple submitters, no conflicts (2 of 4 stars). 4 submissions from 4 submitters: Uncertain significance (4). Last evaluated 2025-07-31.

Conditions:
Hereditary cancer-predisposing syndrome. Also called: Hereditary Cancer Syndrome; Neoplastic Syndromes, Hereditary; Tumor predisposition; Hereditary neoplastic syndrome. Identifiers: Orphanet 140162, MedGen C0027672, MeSH D009386, MONDO:0015356.
Microcephaly, normal intelligence and immunodeficiency (NBS). Also called: IMMUNODEFICIENCY, MICROCEPHALY, AND CHROMOSOMAL INSTABILITY; SEEMANOVA SYNDROME II; Immunodeficiency, microcephaly with normal intelligence; Ataxia telangiectasia variant V1; Nijmegen breakage syndrome; Microcephaly with normal intelligence immunodeficiency and lymphoreticular malignancies. Identifiers: Orphanet 647, MedGen C0398791, MONDO:0009623, OMIM 251260.

Submissions (4):

Labcorp Genetics (formerly Invitae), Labcorp
Classification: Uncertain significance for Microcephaly, normal intelligence and immunodeficiency. Last evaluated: 2025-07-31. Review status: criteria provided, single submitter. Criteria: Invitae Variant Classification Sherloc (09022015). Collection method: clinical testing. Allele origin: germline.
Comment: This variant, c.1008_1010dup, results in the insertion of 1 amino acid(s) of the NBN protein (p.Thr337dup), but otherwise preserves the integrity of the reading frame. This variant is not present in population databases (gnomAD no frequency). This variant has not been reported in the literature in individuals affected with NBN-related conditions. ClinVar contains an entry for this variant (Variation ID: 186477). Experimental studies and prediction algorithms are not available or were not evaluated, and the functional significance of this variant is currently unknown. In summary, the available evidence is currently insufficient to determine the role of this variant in disease. Therefore, it has been classified as a Variant of Uncertain Significance.

Ambry Genetics
Classification: Uncertain significance for Hereditary cancer-predisposing syndrome. Last evaluated: 2023-08-16. Review status: criteria provided, single submitter. Criteria: Ambry Variant Classification Scheme 2023. Collection method: clinical testing. Allele origin: germline.
Comment: The c.1008_1010dupAAC variant (also known as p.T337dup), located in coding exon 9 of the NBN gene, results from an in-frame duplication of AAC at nucleotide positions 1008 to 1010. This results in the duplication of an extra threonine residue between codons 337 and 338. This amino acid position is well conserved in available vertebrate species. In addition, this alteration is predicted to be neutral by in silico analysis (Choi Y et al. PLoS ONE. 2012; 7(10):e46688). Since supporting evidence is limited at this time, the clinical significance of this alteration remains unclear.

GeneDx
Classification: Uncertain significance. Last evaluated: 2022-12-29. Review status: criteria provided, single submitter. Criteria: GeneDx Variant Classification Process June 2021. Collection method: clinical testing. Allele origin: germline. Affected: yes.
Comment: In-frame insertion of 1 amino acid in a non-repeat region; In silico analysis supports that this variant does not alter protein structure/function; Has not been previously published as pathogenic or benign to our knowledge

Quest Diagnostics Nichols Institute San Juan Capistrano
Classification: Uncertain significance. Last evaluated: 2022-10-17. Review status: criteria provided, single submitter. Criteria: Quest Diagnostics criteria. Collection method: clinical testing. Allele origin: unknown.
Comment: The variant has not been reported in the published literature. The frequency of this variant in the general population, 0.0000066 (1/152190 chromosomes), is uninformative in assessment of its pathogenicity. Based on the available information, we are unable to determine the clinical significance of this variant.

NM_002485.5(NBN):c.1005AAC[3] (p.Thr337dup)

Gene: NBN (nibrin; minus strand). Cytogenetic location: 8q21.3.
Variant type: Microsatellite.
Coding change: c.1005AAC[3] on transcript NM_002485.5 (MANE Select); three copies in a row of the 3-base unit AAC starting at c.1005; the reference has two copies in a row; one copy, 3 bases duplicated.
Protein change: p.Thr337dup; duplicates threonine 337.
Molecular consequence: inframe insertion.
Genome position (GRCh38, 1-based): chr8:89,958,839-89,958,841, GTT duplicated on the plus strand (AAC on the coding strand, the reverse complement: NBN is on the minus strand); duplicating any 3 consecutive bases within chr8:89,958,839-89,958,846 gives the same sequence; the position shown is the placement nearest the transcript's 3' end. VCF-style (leftmost placement, unchanged base first): chr8-89958838-A-AGTT. GRCh37 (hg19) VCF-style: chr8-90971066-A-AGTT.
Other names: c.1008_1010dupAAC (NM_002485.4); c.759AAC[3], p.Thr255dup (NM_001024688.3).
Identifiers: ClinVar variation 186477 (VCV000186477.24), dbSNP rs770500095, ClinGen allele CA194936.